The following is an entry in ClinVar:

ClinVar aggregate classification (germline): Uncertain significance. Review status: criteria provided, multiple submitters, no conflicts (2 of 4 stars). 2 submissions from 2 submitters: Uncertain significance (2). Last evaluated 2025-10-08.

Conditions:
Inborn genetic diseases. Identifiers: MedGen C0950123, MeSH D030342.

Allele frequency attached by ClinVar (database versions not stated): TOPMed below 0.00001; gnomAD 0.00001.
gnomAD v4.1: 2 of 1,612,638 alleles (0.00012%); highest among the groups gnomAD compares: Non-Finnish European, 0.00017%; no homozygotes.

Submissions (2):

Ambry Genetics
Classification: Uncertain significance for Inborn genetic diseases. Last evaluated: 2025-10-08. Review status: criteria provided, single submitter. Criteria: Ambry Variant Classification Scheme 2023. Collection method: clinical testing. Allele origin: germline.

Women's Health and Genetics/Laboratory Corporation of America, LabCorp
Classification: Uncertain significance. Last evaluated: 2024-02-02. Review status: criteria provided, single submitter. Criteria: LabCorp Variant Classification Summary - May 2015. Collection method: clinical testing. Allele origin: germline.
Comment: Variant summary: ADGRL1 c.1925C>G (p.Thr642Arg) results in a non-conservative amino acid change located in the GAIN domain, N-terminal (IPR032471) of the encoded protein sequence. Four of five in-silico tools predict a damaging effect of the variant on protein function. The variant was absent in 250214 control chromosomes (gnomAD). The available data on variant occurrences in the general population are insufficient to allow any conclusion about variant significance. To our knowledge, no occurrence of c.1925C>G in individuals affected with Developmental Delay, Behavioral Abnormalities, And Neuropsychiatric Disorders and no experimental evidence demonstrating its impact on protein function have been reported. No submitters have cited clinical-significance assessments for this variant to ClinVar. Based on the evidence outlined above, the variant was classified as uncertain significance.

NM_014921.5(ADGRL1):c.1910C>G (p.Thr637Arg)

Genes: ADGRL1-AS1 (ADGRL1 antisense RNA 1; plus strand), ADGRL1 (adhesion G protein-coupled receptor L1; minus strand). Cytogenetic location: 19p13.12.
Variant type: single nucleotide variant.
Coding change: c.1910C>G on transcript NM_014921.5 (MANE Select); coding-DNA position 1910, C replaced by G.
Protein change: p.Thr637Arg; replaces threonine 637 with arginine.
Molecular consequence: missense variant.
Genome position (GRCh38, 1-based): chr19:14,159,514, G>C on the plus strand (C>G on the coding strand, the complement: ADGRL1 is on the minus strand). VCF-style: chr19-14159514-G-C. GRCh37 (hg19) VCF-style: chr19-14270326-G-C.
Other names: c.1925C>G, p.Thr642Arg (NM_001008701.3); c.1925C>G (NM_001008701.2); short protein forms T637R, T642R.
Identifiers: ClinVar variation 3068912 (VCV003068912.3), dbSNP rs1303118085, ClinGen allele CA404406170.